The following is an entry in ClinVar:

ClinVar aggregate classification (germline): Pathogenic (1 of 4 stars; one submission).

Conditions:
Thrombophilia due to protein S deficiency, autosomal recessive (THPH6). Identifiers: Orphanet 743, MedGen C3281092, MONDO:0013791, OMIM 614514. Disease mechanism: loss of function.

Submission:

Labcorp Genetics (formerly Invitae), Labcorp
Classification: Pathogenic for Thrombophilia due to protein S deficiency, autosomal recessive. Last evaluated: 2017-05-05. Review status: criteria provided, single submitter. Criteria: Invitae Variant Classification Sherloc (09022015). Collection method: clinical testing. Allele origin: germline.
Comment: A gross deletion of the genomic region encompassing the full coding sequence of the PROS1 gene has been identified. The boundaries of this event are unknown as the deletion extends beyond the assayed region for this gene and therefore may encompass additional genes. Loss-of-function variants in PROS1 are known to be pathogenic. Large deletions encompassing the entire PROS1 gene have been reported in individuals affected with protein S deficiency in the literature (PMID: 16363235, 22627709). For these reasons, this variant has been classified as Pathogenic.

NC_000003.12:g.(?_93874239)_(94053268_?)del

Genes: PROS1 (protein S; minus strand), ARL13B (ARF like GTPase 13B; plus strand), STX19 (syntaxin 19; minus strand), LOC129937098 (ATAC-STARR-seq lymphoblastoid active region 20122; plus strand), LOC129937099 (ATAC-STARR-seq lymphoblastoid active region 20123; plus strand) and 1 more. Cytogenetic location: 3q11.1-11.2.
Variant type: Deletion.
Identifiers: ClinVar variation 472995 (VCV000472995.1).